The following is an entry in ClinVar:

NM_001160148.2(DDHD1):c.1349T>C (p.Val450Ala)

Gene: DDHD1 (DDHD domain containing 1; minus strand). Cytogenetic location: 14q22.1.
Variant type: single nucleotide variant.
Coding change: c.1349T>C on transcript NM_001160148.2 (MANE Select); coding-DNA position 1349, T replaced by C.
Protein change: p.Val450Ala; replaces valine 450 with alanine.
Molecular consequence: missense variant.
Genome position (GRCh38, 1-based): chr14:53,073,788, A>G on the plus strand (T>C on the coding strand, the complement: DDHD1 is on the minus strand). VCF-style: chr14-53073788-A-G. GRCh37 (hg19) VCF-style: chr14-53540506-A-G.
Other names: c.1370T>C, p.Val457Ala (NM_001160147.2); c.1349T>C, p.Val450Ala (NM_030637.3); short protein forms V450A, V457A.
Identifiers: ClinVar variation 1958293 (VCV001958293.5), dbSNP rs1764629012, ClinGen allele CA389764816.
Genomic context (GRCh38, chr14:53,073,788, plus strand): 5'-TAAATAAATATACCTCCATCAAGAGTAAGTTTTGACCGCCACTCAACAGGCAGAAATTCA[A>G]CATGTGTTGCATGGTTGGAAAAATGCCTTTCTTCTATTTTTCTTGCAGCTTCTCTCATCC-3'
Protein context (NP_001153620.1, residues 440-460): ERHFSNHATH[Val450Ala]EFLPVEWRSK

ClinVar aggregate classification (germline): Uncertain significance (1 of 4 stars; one submission).

Conditions:
Hereditary spastic paraplegia 28. Also called: Spastic paraplegia 28, autosomal recessive. Identifiers: Orphanet 101008, MedGen C1836295, MONDO:0012256, OMIM 609340.

Allele frequency attached by ClinVar (database versions not stated): gnomAD 0.00001; TOPMed 0.00001.
gnomAD v4.1: 2 of 1,610,850 alleles (0.00012%); highest among the groups gnomAD compares: Admixed American, 0.0017%; no homozygotes.

Submission:

Labcorp Genetics (formerly Invitae), Labcorp
Classification: Uncertain significance for Hereditary spastic paraplegia 28. Last evaluated: 2022-05-27. Review status: criteria provided, single submitter. Criteria: Invitae Variant Classification Sherloc (09022015). Collection method: clinical testing. Allele origin: germline.
Comment: In summary, the available evidence is currently insufficient to determine the role of this variant in disease. Therefore, it has been classified as a Variant of Uncertain Significance. Algorithms developed to predict the effect of missense changes on protein structure and function (SIFT, PolyPhen-2, Align-GVGD) all suggest that this variant is likely to be tolerated. This variant has not been reported in the literature in individuals affected with DDHD1-related conditions. This variant is not present in population databases (gnomAD no frequency). This sequence change replaces valine, which is neutral and non-polar, with alanine, which is neutral and non-polar, at codon 457 of the DDHD1 protein (p.Val457Ala).